The following is an entry in ClinVar:

ClinVar aggregate classification (germline): Benign/Likely benign. Review status: criteria provided, multiple submitters, no conflicts (2 of 4 stars). 3 submissions from 3 submitters: Benign (2); Likely benign (1). Last evaluated 2025-05-17.

Conditions:
MYH7B-related disorder. Also called: MYH7B-related condition.

Allele frequency attached by ClinVar (database versions not stated): gnomAD 0.00019 and 0.00027; gnomAD exomes 0.00025 and 0.00062; TOPMed 0.00035; ExAC 0.00083; 1000 Genomes Project 30x 0.00094; 1000 Genomes Project 0.00100.
gnomAD v4.1: 396 of 1,583,962 alleles (0.025%); highest among the groups gnomAD compares: East Asian, 0.82%; 2 homozygotes.

Submissions (3):

Labcorp Genetics (formerly Invitae), Labcorp
Classification: Benign. Last evaluated: 2025-05-17. Review status: criteria provided, single submitter. Criteria: Invitae Variant Classification Sherloc (09022015). Collection method: clinical testing. Allele origin: germline.

PreventionGenetics, part of Exact Sciences
Classification: Likely benign for MYH7B-related condition. Last evaluated: 2025-04-09. Review status: criteria provided, single submitter. Criteria: ACMG Guidelines, 2015. Collection method: clinical testing. Allele origin: germline.
Comment: This variant is classified as likely benign based on ACMG/AMP sequence variant interpretation guidelines (Richards et al. 2015 PMID: 25741868, with internal and published modifications).

Breakthrough Genomics
Classification: Benign. Review status: criteria provided, single submitter. Criteria: ACMG Guidelines, 2015. Collection method: not provided. Allele origin: germline. Inheritance: Unknown mechanism. Affected: yes.

NM_020884.7(MYH7B):c.5034G>A (p.Ala1678=)

Gene: MYH7B (myosin heavy chain 7B; plus strand). Cytogenetic location: 20q11.22.
Variant type: single nucleotide variant.
Coding change: c.5034G>A on transcript NM_020884.7 (MANE Select); coding-DNA position 5034, G replaced by A.
Protein change: p.Ala1678=; no amino-acid change (alanine 1678 retained).
Molecular consequence: synonymous variant.
Genome position (GRCh38, 1-based): chr20:35,000,545, G>A. VCF-style: chr20-35000545-G-A. GRCh37 (hg19) VCF-style: chr20-33588348-G-A.
Other names: c.5160G>A (NM_020884.4).
Identifiers: ClinVar variation 1601199 (VCV001601199.10), dbSNP rs3746434, ClinGen allele CA9828404.